The following is an entry in ClinVar:

ClinVar aggregate classification (germline): Likely benign. Review status: criteria provided, multiple submitters, no conflicts (2 of 4 stars). 5 submissions from 5 submitters: Likely benign (5). Last evaluated 2026-02-02.

Conditions:
Cardiovascular phenotype. Identifiers: MedGen CN230736.
Hereditary cancer-predisposing syndrome. Also called: Neoplastic Syndromes, Hereditary; Hereditary neoplastic syndrome; Tumor predisposition; Hereditary Cancer Syndrome. Identifiers: Orphanet 140162, MedGen C0027672, MeSH D009386, MONDO:0015356.
Neurofibromatosis, type 1 (NF1). Also called: VON RECKLINGHAUSEN DISEASE; NEUROFIBROMATOSIS, TYPE I, SOMATIC; Neurofibromatosis, type I; Peripheral type neurofibromatosis. Identifiers: Orphanet 636, MedGen C0027831, MONDO:0018975, OMIM 162200. Disease mechanism: loss of function.

Submissions (5):

Labcorp Genetics (formerly Invitae), Labcorp
Classification: Likely benign for Neurofibromatosis, type 1. Last evaluated: 2026-02-02. Review status: criteria provided, single submitter. Criteria: Invitae Variant Classification Sherloc (09022015). Collection method: clinical testing. Allele origin: germline.

Women's Health and Genetics/Laboratory Corporation of America, LabCorp
Classification: Likely benign. Last evaluated: 2024-12-20. Review status: criteria provided, single submitter. Criteria: LabCorp Variant Classification Summary - May 2015. Collection method: clinical testing. Allele origin: germline.
Comment: Variant summary: NF1 c.4367+14delC alters a non-conserved nucleotide located at a position not widely known to affect splicing. Consensus agreement among computation tools predict no significant impact on normal splicing. However, these predictions have yet to be confirmed by functional studies. The variant allele was found at a frequency of 2.3e-05 in 217620 control chromosomes. The available data on variant occurrences in the general population are insufficient to allow any conclusion about variant significance. To our knowledge, no occurrence of c.4367+14delC in individuals affected with Neurofibromatosis Type 1 and no experimental evidence demonstrating its impact on protein function have been reported. ClinVar contains an entry for this variant (Variation ID: 1624620). Based on the evidence outlined above, the variant was classified as likely benign.

Blueprint Genetics
Classification: Likely benign. Last evaluated: 2024-08-23. Review status: criteria provided, single submitter. Criteria: ACMG Guidelines, 2015. Collection method: clinical testing. Allele origin: germline.

Sema4
Classification: Likely benign for Hereditary cancer-predisposing syndrome. Last evaluated: 2021-03-14. Review status: criteria provided, single submitter. Criteria: Sema4 Curation Guidelines. Collection method: curation. Allele origin: germline.

Ambry Genetics
Classification: Likely benign for Cardiovascular phenotype; Hereditary cancer-predisposing syndrome. Last evaluated: 2020-08-13. Review status: criteria provided, single submitter. Criteria: Ambry Variant Classification Scheme 2023. Collection method: clinical testing. Allele origin: germline.

NM_001042492.3(NF1):c.4430+14del

Gene: NF1 (neurofibromin 1; plus strand). Cytogenetic location: 17q11.2.
Variant type: Deletion.
Coding change: c.4430+14del on transcript NM_001042492.3 (MANE Select); 14 bases into the intron after coding-DNA position 4430, one base deleted (C; older notation c.4430+14delC).
Molecular consequence: intron variant.
Genome position (GRCh38, 1-based): chr17:31,259,143, C deleted; the last of 2 consecutive C bases (chr17:31,259,142-31,259,143); deleting either gives the same sequence. VCF-style (leftmost placement, unchanged base first): chr17-31259141-GC-G. GRCh37 (hg19) VCF-style: chr17-29586159-GC-G.
Other names: c.4367+13delC (NM_000267.3); c.4367+14delC (NM_000267.3); c.4367+14del (NM_000267.4).
Identifiers: ClinVar variation 1624620 (VCV001624620.14), dbSNP rs774927748, ClinGen allele CA8486405.